The following is an entry in ClinVar:

NM_014956.5(CEP164):c.1884G>C (p.Glu628Asp)

Gene: CEP164 (centrosomal protein 164; plus strand). Cytogenetic location: 11q23.3.
Variant type: single nucleotide variant.
Coding change: c.1884G>C on transcript NM_014956.5 (MANE Select); coding-DNA position 1884, G replaced by C.
Protein change: p.Glu628Asp; replaces glutamic acid 628 with aspartic acid.
Molecular consequence: missense variant.
Genome position (GRCh38, 1-based): chr11:117,387,362, G>C. VCF-style: chr11-117387362-G-C. GRCh37 (hg19) VCF-style: chr11-117258078-G-C.
Other names: c.1893G>C, p.Glu631Asp (NM_001271933.2); short protein forms E628D, E631D.
Identifiers: ClinVar variation 1720837 (VCV001720837.5), dbSNP rs2541769512, ClinGen allele CA382717998.

ClinVar aggregate classification (germline): Uncertain significance (1 of 4 stars; one submission).

Conditions:
Nephronophthisis 15 (NPHP15). Identifiers: Orphanet 3156, MedGen C3541853, MONDO:0013917, OMIM 614845.

Submission:

Labcorp Genetics (formerly Invitae), Labcorp
Classification: Uncertain significance for Nephronophthisis 15. Last evaluated: 2022-07-20. Review status: criteria provided, single submitter. Criteria: Invitae Variant Classification Sherloc (09022015). Collection method: clinical testing. Allele origin: germline.
Comment: This sequence change replaces glutamic acid, which is acidic and polar, with aspartic acid, which is acidic and polar, at codon 628 of the CEP164 protein (p.Glu628Asp). This variant is not present in population databases (gnomAD no frequency). This variant has not been reported in the literature in individuals affected with CEP164-related conditions. Algorithms developed to predict the effect of missense changes on protein structure and function (SIFT, PolyPhen-2, Align-GVGD) all suggest that this variant is likely to be disruptive. In summary, the available evidence is currently insufficient to determine the role of this variant in disease. Therefore, it has been classified as a Variant of Uncertain Significance.